The following is an entry in ClinVar:

ClinVar aggregate classification (germline): Uncertain significance (1 of 4 stars; one submission).

Conditions:
Adams-Oliver syndrome 5 (AOS5). Identifiers: Orphanet 974, MedGen C4014970, MONDO:0014459, OMIM 616028.

Submission:

Labcorp Genetics (formerly Invitae), Labcorp
Classification: Uncertain significance for Adams-Oliver syndrome 5. Last evaluated: 2022-06-20. Review status: criteria provided, single submitter. Criteria: Invitae Variant Classification Sherloc (09022015). Collection method: clinical testing. Allele origin: germline.
Comment: In summary, the available evidence is currently insufficient to determine the role of this variant in disease. Therefore, it has been classified as a Variant of Uncertain Significance. Advanced modeling of protein sequence and biophysical properties (such as structural, functional, and spatial information, amino acid conservation, physicochemical variation, residue mobility, and thermodynamic stability) performed at Invitae indicates that this missense variant is expected to disrupt NOTCH1 protein function. ClinVar contains an entry for this variant (Variation ID: 850707). This variant has not been reported in the literature in individuals affected with NOTCH1-related conditions. This variant is not present in population databases (gnomAD no frequency). This sequence change replaces cysteine, which is neutral and slightly polar, with tyrosine, which is neutral and polar, at codon 1047 of the NOTCH1 protein (p.Cys1047Tyr).

NM_017617.5(NOTCH1):c.3140G>A (p.Cys1047Tyr)

Gene: NOTCH1 (notch receptor 1; minus strand). Cytogenetic location: 9q34.3.
Variant type: single nucleotide variant.
Coding change: c.3140G>A on transcript NM_017617.5 (MANE Select); coding-DNA position 3140, G replaced by A.
Protein change: p.Cys1047Tyr; replaces cysteine 1047 with tyrosine.
Molecular consequence: missense variant.
Genome position (GRCh38, 1-based): chr9:136,508,901, C>T on the plus strand (G>A on the coding strand, the complement: NOTCH1 is on the minus strand). VCF-style: chr9-136508901-C-T. GRCh37 (hg19) VCF-style: chr9-139403353-C-T.
Other names: short protein forms C1047Y.
Identifiers: ClinVar variation 850707 (VCV000850707.9), dbSNP rs1843132240, ClinGen allele CA375552696.